The following is an entry in ClinVar:

NM_031418.4(ANO3):c.47G>T (p.Gly16Val)

Gene: ANO3 (anoctamin 3; plus strand). Cytogenetic location: 11p14.2.
Variant type: single nucleotide variant.
Coding change: c.47G>T on transcript NM_031418.4 (MANE Select); coding-DNA position 47, G replaced by T.
Protein change: p.Gly16Val; replaces glycine 16 with valine.
Molecular consequence: missense variant.
Genome position (GRCh38, 1-based): chr11:26,441,918, G>T. VCF-style: chr11-26441918-G-T. GRCh37 (hg19) VCF-style: chr11-26463465-G-T.
Other names: c.230G>T, p.Gly77Val (NM_001313726.2); short protein forms G16V, G77V.
Identifiers: ClinVar variation 2050158 (VCV002050158.3), dbSNP rs1408780131, ClinGen allele CA380066008.

ClinVar aggregate classification (germline): Uncertain significance (1 of 4 stars; one submission).

Conditions:
Dystonic disorder. Also called: Dystonia. Identifiers: MedGen C0013421, MONDO:0003441, HP:0001332.

Allele frequency attached by ClinVar (database versions not stated): gnomAD exomes 0.00001.
gnomAD v4.1: 16 of 1,609,310 alleles (0.00099%); highest among the groups gnomAD compares: Non-Finnish European, 0.0011%; no homozygotes.

Submission:

Labcorp Genetics (formerly Invitae), Labcorp
Classification: Uncertain significance for Dystonic disorder. Last evaluated: 2025-03-17. Review status: criteria provided, single submitter. Criteria: Invitae Variant Classification Sherloc (09022015). Collection method: clinical testing. Allele origin: germline.
Comment: This sequence change replaces glycine, which is neutral and non-polar, with valine, which is neutral and non-polar, at codon 16 of the ANO3 protein (p.Gly16Val). This variant is not present in population databases (gnomAD no frequency). This variant has not been reported in the literature in individuals affected with ANO3-related conditions. ClinVar contains an entry for this variant (Variation ID: 2050158). Invitae Evidence Modeling of protein sequence and biophysical properties (such as structural, functional, and spatial information, amino acid conservation, physicochemical variation, residue mobility, and thermodynamic stability) has been performed for this missense variant. However, the output from this modeling did not meet the statistical confidence thresholds required to predict the impact of this variant on ANO3 protein function. In summary, the available evidence is currently insufficient to determine the role of this variant in disease. Therefore, it has been classified as a Variant of Uncertain Significance.